The following is an entry in ClinVar:

ClinVar aggregate classification (germline): Uncertain significance (1 of 4 stars; one submission).

gnomAD v4.1: 1 of 1,604,614 alleles (0.000062%); no homozygotes.

Submission:

Labcorp Genetics (formerly Invitae), Labcorp
Classification: Uncertain significance. Last evaluated: 2025-01-06. Review status: criteria provided, single submitter. Criteria: Invitae Variant Classification Sherloc (09022015). Collection method: clinical testing. Allele origin: germline.
Comment: This sequence change affects codon 391 of the GEN1 mRNA. It is a 'silent' change, meaning that it does not change the encoded amino acid sequence of the GEN1 protein. This variant is not present in population databases (gnomAD no frequency). This variant has not been reported in the literature in individuals affected with GEN1-related conditions. Algorithms developed to predict the effect of sequence changes on RNA splicing suggest that this variant may disrupt the consensus splice site. In summary, the available evidence is currently insufficient to determine the role of this variant in disease. Therefore, it has been classified as a Variant of Uncertain Significance.

NM_001130009.3(GEN1):c.1173C>T (p.Ser391=)

Gene: GEN1 (GEN1 structure-specific endonuclease; plus strand). Cytogenetic location: 2p24.2.
Variant type: single nucleotide variant.
Coding change: c.1173C>T on transcript NM_001130009.3 (MANE Select); coding-DNA position 1173, C replaced by T.
Protein change: p.Ser391=; no amino-acid change (serine 391 retained).
Molecular consequence: synonymous variant.
Genome position (GRCh38, 1-based): chr2:17,774,372, C>T. VCF-style: chr2-17774372-C-T. GRCh37 (hg19) VCF-style: chr2-17955639-C-T.
Other names: c.1173C>T, p.Ser391= (NM_182625.5).
Identifiers: ClinVar variation 3709342 (VCV003709342.2).